The following is an entry in ClinVar:

ClinVar aggregate classification (germline): Uncertain significance. Review status: criteria provided, multiple submitters, no conflicts (2 of 4 stars). 3 submissions from 3 submitters: Uncertain significance (3). Last evaluated 2024-01-24.

Conditions:
Multiple endocrine neoplasia, type 2 (MEN2). Identifiers: Orphanet 653, MedGen C4048306, MONDO:0019003. Disease mechanism: gain of function.
Hereditary cancer-predisposing syndrome. Also called: Neoplastic Syndromes, Hereditary; Hereditary Cancer Syndrome; Tumor predisposition; Hereditary neoplastic syndrome. Identifiers: Orphanet 140162, MedGen C0027672, MeSH D009386, MONDO:0015356.
Pheochromocytoma. Also called: MAX-Related Hereditary Paraganglioma-Pheochromocytoma Syndrome. Identifiers: Orphanet 29072, MedGen C0031511, MONDO:0008233, OMIM 171300, HP:0002666.
Familial medullary thyroid carcinoma (MTC). Also called: Thyroid cancer, familial medullary; MTC, familial; Familial Medullary Thyroid Carcinoma (FMTC). Identifiers: Orphanet 653, Orphanet 99361, MedGen C1833921, MONDO:0007958, OMIM 155240.
Multiple endocrine neoplasia type 2B. Also called: Multiple endocrine neoplasia, type 3; MULTIPLE ENDOCRINE NEOPLASIA, TYPE IIB; MUCOSAL NEUROMA SYNDROME; MEN 2B; Multiple Endocrine Neoplasia Type 2B (MEN2B); MEN IIB. Identifiers: Orphanet 247709, Orphanet 653, MedGen C0025269, MeSH D018814, MONDO:0008082, OMIM 162300.
Multiple endocrine neoplasia type 2A. Also called: MULTIPLE ENDOCRINE NEOPLASIA, TYPE IIA; PTC SYNDROME; SIPPLE SYNDROME; MEN 2A; MEN-2A syndrome; Pheochromocytoma and amyloid producing medullary thyroid carcinoma. Identifiers: Orphanet 247698, Orphanet 653, MedGen C0025268, MeSH D018813, MONDO:0008234, OMIM 171400.
Hirschsprung disease, susceptibility to, 1 (HSCR1). Also called: RET-Related Hirschsprung Disease. Identifiers: Orphanet 388, MedGen C3888239, MONDO:0007723, OMIM 142623.

Allele frequency attached by ClinVar (database versions not stated): gnomAD exomes below 0.00001.
gnomAD v4.1: 1 of 1,613,938 alleles (0.000062%); highest among the groups gnomAD compares: Admixed American, 0.0017%; no homozygotes.

Submissions (3):

Labcorp Genetics (formerly Invitae), Labcorp
Classification: Uncertain significance for Multiple endocrine neoplasia, type 2. Last evaluated: 2024-01-24. Review status: criteria provided, single submitter. Criteria: Invitae Variant Classification Sherloc (09022015). Collection method: clinical testing. Allele origin: germline.
Comment: This sequence change replaces glycine, which is neutral and non-polar, with valine, which is neutral and non-polar, at codon 385 of the RET protein (p.Gly385Val). This variant is present in population databases (no rsID available, gnomAD 0.003%). This variant has not been reported in the literature in individuals affected with RET-related conditions. ClinVar contains an entry for this variant (Variation ID: 543752). An algorithm developed to predict the effect of missense changes on protein structure and function (PolyPhen-2) suggests that this variant is likely to be disruptive. In summary, the available evidence is currently insufficient to determine the role of this variant in disease. Therefore, it has been classified as a Variant of Uncertain Significance.

Ambry Genetics
Classification: Uncertain significance for Hereditary cancer-predisposing syndrome. Last evaluated: 2022-09-01. Review status: criteria provided, single submitter. Criteria: Ambry Variant Classification Scheme 2023. Collection method: clinical testing. Allele origin: germline.
Comment: The p.G385V variant (also known as c.1154G>T), located in coding exon 6 of the RET gene, results from a G to T substitution at nucleotide position 1154. The glycine at codon 385 is replaced by valine, an amino acid with dissimilar properties. This amino acid position is conserved. In addition, the in silico prediction for this alteration is inconclusive. Since supporting evidence is limited at this time, the clinical significance of this alteration remains unclear.

Fulgent Genetics
Classification: Uncertain significance for Hirschsprung disease, susceptibility to, 1; Familial medullary thyroid carcinoma; Multiple endocrine neoplasia type 2B; Pheochromocytoma; Multiple endocrine neoplasia type 2A. Last evaluated: 2021-08-12. Review status: criteria provided, single submitter. Criteria: ACMG Guidelines, 2015. Collection method: clinical testing. Allele origin: unknown.

NM_020975.6(RET):c.1154G>T (p.Gly385Val)

Gene: RET (ret proto-oncogene; plus strand). Cytogenetic location: 10q11.21.
Variant type: single nucleotide variant.
Coding change: c.1154G>T on transcript NM_020975.6 (MANE Select); coding-DNA position 1154, G replaced by T.
Protein change: p.Gly385Val; replaces glycine 385 with valine.
Molecular consequence: missense variant.
Genome position (GRCh38, 1-based): chr10:43,109,121, G>T. VCF-style: chr10-43109121-G-T. GRCh37 (hg19) VCF-style: chr10-43604569-G-T.
Other names: c.1154G>T, p.Gly385Val (NM_000323.2, NM_001406743.1, NM_001406744.1 and 6 more transcripts); c.392G>T, p.Gly131Val (NM_001355216.2); c.1025G>T, p.Gly342Val (NM_001406761.1, NM_001406762.1, NM_001406764.1 and 1 more transcripts); c.164G>T, p.Gly55Val (NM_001406784.1); c.866G>T, p.Gly289Val (NM_001406766.1, NM_001406767.1, NM_001406770.1); c.716G>T, p.Gly239Val (NM_001406771.1, NM_001406773.1); c.428G>T, p.Gly143Val (NM_001406775.1, NM_001406776.1, NM_001406777.1 and 1 more transcripts); short protein forms G385V, G131V, G342V, G143V, G289V, G55V, G239V.
Identifiers: ClinVar variation 543752 (VCV000543752.12), dbSNP rs906695652, ClinGen allele CA376547533.